The following is an entry in ClinVar:

NM_001365088.1(SLC12A6):c.1711G>T (p.Val571Leu)

Gene: SLC12A6 (solute carrier family 12 member 6; minus strand). Cytogenetic location: 15q14.
Variant type: single nucleotide variant.
Coding change: c.1711G>T on transcript NM_001365088.1 (MANE Select); coding-DNA position 1711, G replaced by T.
Protein change: p.Val571Leu; replaces valine 571 with leucine.
Molecular consequence: missense variant.
Genome position (GRCh38, 1-based): chr15:34,245,806, C>A on the plus strand (G>T on the coding strand, the complement: SLC12A6 is on the minus strand). VCF-style: chr15-34245806-C-A. GRCh37 (hg19) VCF-style: chr15-34538007-C-A.
Other names: c.1534G>T, p.Val512Leu (NM_001042494.2, NM_001042495.2); c.1684G>T, p.Val562Leu (NM_001042496.2); c.1666G>T, p.Val556Leu (NM_001042497.2); c.1558G>T, p.Val520Leu (NM_005135.2); c.1711G>T, p.Val571Leu (NM_133647.2); short protein forms V512L, V520L, V556L, V562L, V571L.
Identifiers: ClinVar variation 4084195 (VCV004084195.8).
Genomic context (GRCh38, chr15:34,245,806, plus strand): 5'-CACCTGTGAGGCTCTGAAGTCCAGCCCCACATGTTGAAAAGAAGGAGCCAATAACAATCA[C>A]CCATGGGGATGGCCAAGATAAGGTGCCTACCACCAAATTACCTTTCACAGCATCACCGAA-3'
Protein context (NP_001352017.1, residues 561-581): VGTLSWPSPW[Val571Leu]IVIGSFFSTC

ClinVar aggregate classification (germline): Uncertain significance (1 of 4 stars; one submission).

gnomAD v4.1: 11 of 1,613,510 alleles (0.00068%); highest among the groups gnomAD compares: Middle Eastern, 0.016%; no homozygotes.

Submission:

CeGaT Center for Human Genetics Tuebingen
Classification: Uncertain significance. Last evaluated: 2025-07-01. Review status: criteria provided, single submitter. Criteria: CeGaT Center For Human Genetics Tuebingen Variant Classification Criteria Version 2. Collection method: clinical testing. Allele origin: germline. Affected: yes. Observed: 1 variant allele.
Comment: SLC12A6: PM2, PP3